The following is an entry in ClinVar:

ClinVar aggregate classification (germline): Uncertain significance (1 of 4 stars; one submission).

Conditions:
Generalized epilepsy with febrile seizures plus, type 1 (GEFSP1). Also called: GEFS+, TYPE 1. Identifiers: Orphanet 36387, MedGen C1858672, MONDO:0011416, OMIM 604233.

Submission:

Neuberg Centre For Genomic Medicine, NCGM
Classification: Uncertain significance for Generalized epilepsy with febrile seizures plus, type 1. Review status: criteria provided, single submitter. Criteria: ACMG Guidelines, 2015. Collection method: clinical testing. Allele origin: germline. Inheritance: Autosomal dominant inheritance. Affected: yes.
Comment: The missense variant c.289G>C (p.Gly97Arg) in SCN1B has not been reported previously as a pathogenic variant nor as a benign variant, to our knowledge. The p.Gly97Arg variant is novel (not in any individuals) in gnomAD Exomes and 1000 Genomes. The amino acid Gly at position 97 is changed to a Arg changing protein sequence and it might alter its composition and physico-chemical properties. The amino acid change p.Gly97Arg in SCN1B is predicted as conserved by GERP++ and PhyloP across 100 vertebrates. For these reasons, this variant has been classified as Uncertain Significance .

NM_001037.5(SCN1B):c.289G>C (p.Gly97Arg)

Gene: SCN1B (sodium voltage-gated channel beta subunit 1; plus strand). Cytogenetic location: 19q13.11.
Variant type: single nucleotide variant.
Coding change: c.289G>C on transcript NM_001037.5 (MANE Select); coding-DNA position 289, G replaced by C.
Protein change: p.Gly97Arg; replaces glycine 97 with arginine.
Molecular consequence: missense variant.
Genome position (GRCh38, 1-based): chr19:35,033,580, G>C. VCF-style: chr19-35033580-G-C. GRCh37 (hg19) VCF-style: chr19-35524484-G-C.
Other names: c.190G>C, p.Gly64Arg (NM_001321605.2); c.289G>C, p.Gly97Arg (NM_199037.5); short protein forms G64R, G97R.
Identifiers: ClinVar variation 2585586 (VCV002585586.1), dbSNP rs2514234438, ClinGen allele CA405328705.